The following is an entry in ClinVar:

ClinVar aggregate classification (germline): Benign (1 of 4 stars; one submission).

Allele frequency attached by ClinVar (database versions not stated): 1000 Genomes Project 0.16174; gnomAD 0.17746.

Submission:

GeneDx
Classification: Benign. Last evaluated: 2018-06-18. Review status: criteria provided, single submitter. Criteria: GeneDx Variant Classification (06012015). Collection method: clinical testing. Allele origin: germline. Affected: yes.
Comment: This variant is considered likely benign or benign based on one or more of the following criteria: it is a conservative change, it occurs at a poorly conserved position in the protein, it is predicted to be benign by multiple in silico algorithms, and/or has population frequency not consistent with disease.

NM_000071.3(CBS):c.1358+264A>G

Gene: CBS (cystathionine beta-synthase; minus strand). Cytogenetic location: 21q22.3.
Variant type: single nucleotide variant.
Coding change: c.1358+264A>G on transcript NM_000071.3 (MANE Select); 264 bases into the intron after coding-DNA position 1358, A replaced by G.
Molecular consequence: intron variant.
Genome position (GRCh38, 1-based): chr21:43,058,570, T>C on the plus strand (A>G on the coding strand, the complement: CBS is on the minus strand). VCF-style: chr21-43058570-T-C. GRCh37 (hg19) VCF-style: chr21-44478680-T-C.
Other names: c.1358+264A>G (NM_001320298.2, NM_001178009.3, NM_001178008.3); c.1043+264A>G (NM_001321072.1).
Identifiers: ClinVar variation 683311 (VCV000683311.1), dbSNP rs6586283, ClinGen allele CA321687835.